The following is an entry in ClinVar:

NM_006767.4(LZTR1):c.730T>A (p.Ser244Thr)

Gene: LZTR1 (leucine zipper like post translational regulator 1; plus strand). Cytogenetic location: 22q11.21.
Variant type: single nucleotide variant.
Coding change: c.730T>A on transcript NM_006767.4 (MANE Select); coding-DNA position 730, T replaced by A.
Protein change: p.Ser244Thr; replaces serine 244 with threonine.
Molecular consequence: missense variant.
Genome position (GRCh38, 1-based): chr22:20,990,464, T>A. VCF-style: chr22-20990464-T-A. GRCh37 (hg19) VCF-style: chr22-21344753-T-A.
Other names: short protein forms S244T.
Identifiers: ClinVar variation 2762733 (VCV002762733.3), dbSNP rs1601718760, ClinGen allele CA410780578.

ClinVar aggregate classification (germline): Uncertain significance (1 of 4 stars; one submission).

Submission:

Labcorp Genetics (formerly Invitae), Labcorp
Classification: Uncertain significance. Last evaluated: 2023-09-22. Review status: criteria provided, single submitter. Criteria: Invitae Variant Classification Sherloc (09022015). Collection method: clinical testing. Allele origin: germline.
Comment: Advanced modeling of protein sequence and biophysical properties (such as structural, functional, and spatial information, amino acid conservation, physicochemical variation, residue mobility, and thermodynamic stability) performed at Invitae indicates that this missense variant is not expected to disrupt LZTR1 protein function. In summary, the available evidence is currently insufficient to determine the role of this variant in disease. Therefore, it has been classified as a Variant of Uncertain Significance. This variant disrupts the p.Ser244 amino acid residue in LZTR1. Other variant(s) that disrupt this residue have been determined to be pathogenic (PMID: 20859559). This suggests that this residue is clinically significant, and that variants that disrupt this residue are likely to be disease-causing. This variant has not been reported in the literature in individuals affected with LZTR1-related conditions. This variant is not present in population databases (gnomAD no frequency). This sequence change replaces serine, which is neutral and polar, with threonine, which is neutral and polar, at codon 244 of the LZTR1 protein (p.Ser244Thr).

Literature cited by the submitters: PubMed 20859559.